The following is an entry in ClinVar:

NM_001297.5(CNGB1):c.1963A>G (p.Met655Val)

Gene: CNGB1 (cyclic nucleotide gated channel subunit beta 1; minus strand). Cytogenetic location: 16q21.
Variant type: single nucleotide variant.
Coding change: c.1963A>G on transcript NM_001297.5 (MANE Select); coding-DNA position 1963, A replaced by G.
Protein change: p.Met655Val; replaces methionine 655 with valine.
Molecular consequence: missense variant.
Genome position (GRCh38, 1-based): chr16:57,917,471, T>C on the plus strand (A>G on the coding strand, the complement: CNGB1 is on the minus strand). VCF-style: chr16-57917471-T-C. GRCh37 (hg19) VCF-style: chr16-57951375-T-C.
Other names: c.1945A>G, p.Met649Val (NM_001286130.2); short protein forms M655V, M649V.
Identifiers: ClinVar variation 966092 (VCV000966092.9), dbSNP rs775622559, ClinGen allele CA8083208.
Genomic context (GRCh38, chr16:57,917,471, plus strand): 5'-GAATCAGCCAACAGTTCCAATTCCAGGCCATCACCACGAAGAACAGCCATAGGACATACA[T>C]CAGGTCTGTGGGGAAGGTTGACGGGGACGCTAGAGCATCAGCCAGGCAAGGCTCTTCACC-3'
Protein context (NP_001288.3, residues 645-665): PQSIDPLTNL[Met655Val]YVLWLFFVVM

ClinVar aggregate classification (germline): Uncertain significance (1 of 4 stars; one submission).

Allele frequency attached by ClinVar (database versions not stated): gnomAD exomes below 0.00001 and 0.00002; ExAC 0.00001; gnomAD 0.00001; TOPMed 0.00001.
gnomAD v4.1: 34 of 1,613,870 alleles (0.0021%); highest among the groups gnomAD compares: Non-Finnish European, 0.0028%; no homozygotes.

Submission:

Labcorp Genetics (formerly Invitae), Labcorp
Classification: Uncertain significance. Last evaluated: 2019-09-26. Review status: criteria provided, single submitter. Criteria: Invitae Variant Classification Sherloc (09022015). Collection method: clinical testing. Allele origin: germline.
Comment: In summary, the available evidence is currently insufficient to determine the role of this variant in disease. Therefore, it has been classified as a Variant of Uncertain Significance. Algorithms developed to predict the effect of missense changes on protein structure and function (SIFT, PolyPhen-2, Align-GVGD) all suggest that this variant is likely to be tolerated, but these predictions have not been confirmed by published functional studies and their clinical significance is uncertain. This variant has not been reported in the literature in individuals with CNGB1-related conditions. The frequency data for this variant in the population databases is considered unreliable, as metrics indicate poor data quality at this position in the ExAC database. This sequence change replaces methionine with valine at codon 655 of the CNGB1 protein (p.Met655Val). The methionine residue is weakly conserved and there is a small physicochemical difference between methionine and valine.